The following is an entry in ClinVar:

ClinVar aggregate classification (germline): Uncertain significance (1 of 4 stars; one submission).

Conditions:
Glaucoma 1, open angle, E. Identifiers: MedGen C1842026, MONDO:0007665.
Amyotrophic lateral sclerosis type 12 (ALS12). Also called: AMYOTROPHIC LATERAL SCLEROSIS 12 WITH OR WITHOUT FRONTOTEMPORAL DEMENTIA. Identifiers: Orphanet 803, MedGen C3150692, MONDO:0013264, OMIM 613435.
Primary open angle glaucoma (POAG). Also called: OPTN-related open angle glaucoma. Identifiers: MedGen C0339573, MONDO:0100553, OMIM 137760.

Submission:

Labcorp Genetics (formerly Invitae), Labcorp
Classification: Uncertain significance for Primary open angle glaucoma; Glaucoma 1, open angle, e; Amyotrophic lateral sclerosis type 12. Last evaluated: 2019-11-22. Review status: criteria provided, single submitter. Criteria: Invitae Variant Classification Sherloc (09022015). Collection method: clinical testing. Allele origin: germline.
Comment: This variant is an in-frame deletion of the genomic region encompassing exon 6 of the OPTN gene. It preserves the integrity of the reading frame. This variant has not been reported in the literature in individuals with OPTN-related conditions. Experimental studies and prediction algorithms are not available or were not evaluated, and the functional significance of this variant is currently unknown. In summary, the available evidence is currently insufficient to determine the role of this variant in disease. Therefore, it has been classified as a Variant of Uncertain Significance.

NC_000010.11:g.(?_13118878)_(13119050_?)del

Gene: OPTN (optineurin; plus strand). Cytogenetic location: 10p13.
Variant type: Deletion.
Identifiers: ClinVar variation 832895 (VCV000832895.2).